The following is an entry in ClinVar:

NM_001105206.3(LAMA4):c.5375G>A (p.Cys1792Tyr)

Gene: LAMA4 (laminin subunit alpha 4; minus strand). Cytogenetic location: 6q21.
Variant type: single nucleotide variant.
Coding change: c.5375G>A on transcript NM_001105206.3 (MANE Select); coding-DNA position 5375, G replaced by A.
Protein change: p.Cys1792Tyr; replaces cysteine 1792 with tyrosine.
Molecular consequence: missense variant.
Genome position (GRCh38, 1-based): chr6:112,109,534, C>T on the plus strand (G>A on the coding strand, the complement: LAMA4 is on the minus strand). VCF-style: chr6-112109534-C-T. GRCh37 (hg19) VCF-style: chr6-112430737-C-T.
Other names: c.5354G>A, p.Cys1785Tyr (NM_001105207.3, NM_002290.5); short protein forms C1792Y, C1785Y.
Identifiers: ClinVar variation 1747023 (VCV001747023.4), dbSNP rs1554320960, ClinGen allele CA365363630.

ClinVar aggregate classification (germline): Uncertain significance. Review status: criteria provided, multiple submitters, no conflicts (2 of 4 stars). 2 submissions from 2 submitters: Uncertain significance (2). Last evaluated 2025-06-10.

Conditions:
Cardiovascular phenotype. Identifiers: MedGen CN230736.
Dilated cardiomyopathy 1JJ (CMD1JJ). Identifiers: Orphanet 154, MedGen C3808935, MONDO:0014095, OMIM 615235.

Allele frequency attached by ClinVar (database versions not stated): TOPMed 0.00001; gnomAD 0.00001.
gnomAD v4.1: 5 of 1,613,968 alleles (0.00031%); highest among the groups gnomAD compares: African/African-American, 0.0067%; no homozygotes.

Submissions (2):

Labcorp Genetics (formerly Invitae), Labcorp
Classification: Uncertain significance for Dilated cardiomyopathy 1JJ. Last evaluated: 2025-06-10. Review status: criteria provided, single submitter. Criteria: Invitae Variant Classification Sherloc (09022015). Collection method: clinical testing. Allele origin: germline.
Comment: This sequence change replaces cysteine, which is neutral and slightly polar, with tyrosine, which is neutral and polar, at codon 1785 of the LAMA4 protein (p.Cys1785Tyr). This variant is present in population databases (no rsID available, gnomAD 0.007%). This variant has not been reported in the literature in individuals affected with LAMA4-related conditions. ClinVar contains an entry for this variant (Variation ID: 1747023). Invitae Evidence Modeling of protein sequence and biophysical properties (such as structural, functional, and spatial information, amino acid conservation, physicochemical variation, residue mobility, and thermodynamic stability) indicates that this missense variant is expected to disrupt LAMA4 protein function with a positive predictive value of 80%. In summary, the available evidence is currently insufficient to determine the role of this variant in disease. Therefore, it has been classified as a Variant of Uncertain Significance.

Ambry Genetics
Classification: Uncertain significance for Cardiovascular phenotype. Last evaluated: 2023-06-17. Review status: criteria provided, single submitter. Criteria: Ambry Variant Classification Scheme 2023. Collection method: clinical testing. Allele origin: germline.
Comment: The p.C1785Y variant (also known as c.5354G>A), located in coding exon 38 of the LAMA4 gene, results from a G to A substitution at nucleotide position 5354. The cysteine at codon 1785 is replaced by tyrosine, an amino acid with highly dissimilar properties. This amino acid position is highly conserved in available vertebrate species. In addition, this alteration is predicted to be deleterious by in silico analysis. Since supporting evidence is limited at this time, the clinical significance of this alteration remains unclear.